The following is an entry in ClinVar:

ClinVar aggregate classification (germline): Uncertain significance (1 of 4 stars; one submission).

Conditions:
Familial cancer of breast. Also called: hereditary breast carcinoma; BREAST CANCER, FAMILIAL; Hereditary breast cancer. Identifiers: Orphanet 227535, MedGen C0346153, MONDO:0016419, OMIM 114480. Disease mechanism: loss of function.
Fanconi anemia complementation group J. Also called: BRIP1-Related Fanconi Anemia. Identifiers: Orphanet 84, MedGen C1836860, MONDO:0012187, OMIM 609054.

Submission:

Labcorp Genetics (formerly Invitae), Labcorp
Classification: Uncertain significance for Familial cancer of breast; Fanconi anemia complementation group J. Last evaluated: 2020-04-28. Review status: criteria provided, single submitter. Criteria: Invitae Variant Classification Sherloc (09022015). Collection method: clinical testing. Allele origin: germline.
Comment: This variant results in a copy number gain of the genomic region encompassing exon(s) 7-20 of the BRIP1 gene. The 5' boundary is likely confined to intron 6. The 3' end of this event is unknown as it extends beyond the assayed region for this gene and therefore may encompass additional genes. As the precise location of this event is unknown, it may be in tandem or it may be located elsewhere in the genome. This variant has not been reported in the literature in individuals with BRIP1-related conditions. In summary, the available evidence is currently insufficient to determine the role of this variant in disease. Therefore, it has been classified as a Variant of Uncertain Significance.

NC_000017.10:g.(?_59760657)_(59886138_?)dup

Gene: BRIP1 (BRCA1 interacting DNA helicase 1; minus strand). Cytogenetic location: 17q23.2.
Variant type: Duplication.
Identifiers: ClinVar variation 1064348 (VCV001064348.2).